The following is an entry in ClinVar:

ClinVar aggregate classification (germline): Uncertain significance (1 of 4 stars; one submission).

gnomAD v4.1: 2 of 1,205,618 alleles (0.00017%); highest among the groups gnomAD compares: Non-Finnish European, 0.00021%; no homozygotes.

Submission:

Ambry Genetics
Classification: Uncertain significance. Last evaluated: 2025-02-05. Review status: criteria provided, single submitter. Criteria: Ambry Variant Classification Scheme 2023. Collection method: clinical testing. Allele origin: germline.
Comment: The p.L84F variant (also known as c.250C>T), located in coding exon 1 of the WNK2 gene, results from a C to T substitution at nucleotide position 250. The leucine at codon 84 is replaced by phenylalanine, an amino acid with highly similar properties. This amino acid position is conserved. In addition, this alteration is predicted to be tolerated by in silico analysis. Based on the available evidence, the clinical significance of this variant remains unclear.

NM_006648.4(WNK2):c.250C>T (p.Leu84Phe)

Gene: WNK2 (WNK lysine deficient protein kinase 2; plus strand). Cytogenetic location: 9q22.31.
Variant type: single nucleotide variant.
Coding change: c.250C>T on transcript NM_006648.4 (MANE Select); coding-DNA position 250, C replaced by T.
Protein change: p.Leu84Phe; replaces leucine 84 with phenylalanine.
Molecular consequence: missense variant.
Genome position (GRCh38, 1-based): chr9:93,185,179, C>T. VCF-style: chr9-93185179-C-T. GRCh37 (hg19) VCF-style: chr9-95947461-C-T.
Other names: c.250C>T, p.Leu84Phe (NM_001282394.3); short protein forms L84F.
Identifiers: ClinVar variation 3817008 (VCV003817008.1).